The following is an entry in ClinVar:

NC_000012.12:g.121626872C>T

Genes: ORAI1 (ORAI calcium release-activated calcium modulator 1; plus strand), LOC130008987 (ATAC-STARR-seq lymphoblastoid silent region 4981; plus strand). Cytogenetic location: 12q24.31.
Variant type: single nucleotide variant.
Genome position: GRCh38 VCF-style: chr12-121626872-C-T. GRCh37 (hg19) VCF-style: chr12-122064772-C-T.
Other names: c.125C>T, p.Ala42Val (NM_032790.4); short protein forms A42V.
Identifiers: ClinVar variation 1447310 (VCV001447310.6), dbSNP rs1212609439, ClinGen allele CA386980795.
Genomic context (GRCh38, chr12:121,626,872, plus strand): 5'-ACCAGCGGCAGCCGCCGGAGCCGCCGCCGCAGCGGGGACGGGGAGCCCCCGGGGGCCCCG[C>T]CCCGCCACCGCCGCCGTCCGCCGTCACCTACCCGGACTGGATCGGCCAGAGTTACTCCGA-3'

ClinVar aggregate classification (germline): Uncertain significance (1 of 4 stars; one submission).

Conditions:
Myopathy, tubular aggregate, 2 (TAM2). Identifiers: MedGen C4014557, MONDO:0014383, OMIM 615883.
Combined immunodeficiency due to ORAI1 deficiency. Also called: IMMUNODEFICIENCY 9. Identifiers: Orphanet 169090, Orphanet 317428, MedGen C2748568, MONDO:0013007, OMIM 612782.

Allele frequency attached by ClinVar (database versions not stated): gnomAD exomes below 0.00001; TOPMed below 0.00001.

Submission:

Labcorp Genetics (formerly Invitae), Labcorp
Classification: Uncertain significance for Myopathy, tubular aggregate, 2; Combined immunodeficiency due to ORAI1 deficiency. Last evaluated: 2021-05-18. Review status: criteria provided, single submitter. Criteria: Invitae Variant Classification Sherloc (09022015). Collection method: clinical testing. Allele origin: germline.
Comment: In summary, the available evidence is currently insufficient to determine the role of this variant in disease. Therefore, it has been classified as a Variant of Uncertain Significance. Experimental studies and prediction algorithms are not available or were not evaluated, and the functional significance of this variant is currently unknown. This variant has not been reported in the literature in individuals with ORAI1-related conditions. This variant is not present in population databases (ExAC no frequency). This sequence change replaces alanine with valine at codon 42 of the ORAI1 protein (p.Ala42Val). The alanine residue is weakly conserved and there is a small physicochemical difference between alanine and valine.